The following is an entry in ClinVar:

NM_130810.4(DNAAF4):c.589_593del (p.Tyr197fs)

Genes: DNAAF4 (dynein axonemal assembly factor 4; minus strand), DNAAF4-CCPG1 (DNAAF4-CCPG1 readthrough (NMD candidate); minus strand). Cytogenetic location: 15q21.3.
Variant type: Deletion.
Coding change: c.589_593del on transcript NM_130810.4 (MANE Select); coding-DNA positions 589 to 593, 5 bases deleted (TATAA; older notation c.589_593delTATAA).
Protein change: p.Tyr197fs; shifts the reading frame from tyrosine 197.
Molecular consequence: frameshift variant. On other transcripts: non-coding transcript variant (1).
Genome position (GRCh38, 1-based): chr15:55,466,974-55,466,978, TTATA deleted on the plus strand (TATAA on the coding strand, the reverse complement: DNAAF4 is on the minus strand); deleting any 5 consecutive bases within chr15:55,466,974-55,466,980 gives the same sequence; the c. name uses the placement nearest the transcript's 3' end. VCF-style (leftmost placement, unchanged base first): chr15-55466973-CTTATA-C. GRCh37 (hg19) VCF-style: chr15-55759171-CTTATA-C.
Other names: c.589_593del, p.Tyr197fs (NM_001033559.3, NM_001033560.2); short protein forms Y197fs.
Identifiers: ClinVar variation 869382 (VCV000869382.8), dbSNP rs2058179740, ClinGen allele CA916083425.

ClinVar aggregate classification (germline): Pathogenic. Review status: criteria provided, multiple submitters, no conflicts (2 of 4 stars). 2 submissions from 2 submitters: Pathogenic (2). Last evaluated 2020-06-22.

Conditions:
Primary ciliary dyskinesia 25 (CILD25). Also called: CILIARY DYSKINESIA, PRIMARY, 25, WITH OR WITHOUT SITUS INVERSUS. Identifiers: Orphanet 244, MedGen C3809641, MONDO:0014203, OMIM 615482.

Submissions (2):

Labcorp Genetics (formerly Invitae), Labcorp
Classification: Pathogenic. Last evaluated: 2020-06-22. Review status: criteria provided, single submitter. Criteria: Invitae Variant Classification Sherloc (09022015). Collection method: clinical testing. Allele origin: germline.
Comment: For these reasons, this variant has been classified as Pathogenic. Loss-of-function variants in DNAAF4 are known to be pathogenic (PMID: 23872636). This variant has not been reported in the literature in individuals with DNAAF4-related conditions. This variant is not present in population databases (ExAC no frequency). This sequence change creates a premature translational stop signal (p.Tyr197Glufs*4) in the DNAAF4 gene. It is expected to result in an absent or disrupted protein product.

Biology Pathology Center, Lille University Hospital
Classification: Pathogenic for Primary ciliary dyskinesia 25. Review status: criteria provided, single submitter. Criteria: ACMG Guidelines, 2015. Collection method: clinical testing. Allele origin: germline. Inheritance: Autosomal recessive inheritance. Affected: yes. Observed: 1 variant allele, 1 homozygote.

Literature cited by the submitters: PubMed 23872636 (cited by Labcorp Genetics (formerly Invitae), Labcorp).